The following is an entry in ClinVar:

NM_182961.4(SYNE1):c.17019+16T>G

Genes: SYNE1 (spectrin repeat containing nuclear envelope protein 1; minus strand), LOC126859837 (BRD4-independent group 4 enhancer GRCh37_chr6:152630775-152631974; plus strand). Cytogenetic location: 6q25.2.
Variant type: single nucleotide variant.
Coding change: c.17019+16T>G on transcript NM_182961.4 (MANE Select); 16 bases into the intron after coding-DNA position 17019, T replaced by G.
Molecular consequence: intron variant.
Genome position (GRCh38, 1-based): chr6:152,310,380, A>C on the plus strand (T>G on the coding strand, the complement: SYNE1 is on the minus strand). VCF-style: chr6-152310380-A-C. GRCh37 (hg19) VCF-style: chr6-152631515-A-C.
Other names: c.16806+16T>G (NM_033071.5).
Identifiers: ClinVar variation 514226 (VCV000514226.1), dbSNP rs1554410174, ClinGen allele CA658796845.
Genomic context (GRCh38, chr6:152,310,380, plus strand): 5'-GAGGCATTTTTCCTTACTATCCTCTTTTAAAAATATAGGTCCCTGTCCCTATTTACTCCA[A>C]GTTAGTTTGGCTTACCTGCCGATGAGAGAGCTGCTCCTTGAGACTGAGACGTCCAACTTC-3'

ClinVar aggregate classification (germline): Likely benign (1 of 4 stars; one submission).

Submission:

GeneDx
Classification: Likely benign. Last evaluated: 2017-12-27. Review status: criteria provided, single submitter. Criteria: GeneDx Variant Classification (06012015). Collection method: clinical testing. Allele origin: germline. Affected: yes.
Comment: This variant is considered likely benign or benign based on one or more of the following criteria: it is a conservative change, it occurs at a poorly conserved position in the protein, it is predicted to be benign by multiple in silico algorithms, and/or has population frequency not consistent with disease.